The following is an entry in ClinVar:

ClinVar aggregate classification (germline): Likely pathogenic (1 of 4 stars; one submission).

Conditions:
Hereditary cancer-predisposing syndrome. Also called: Neoplastic Syndromes, Hereditary; Tumor predisposition; Hereditary Cancer Syndrome; Hereditary neoplastic syndrome. Identifiers: Orphanet 140162, MedGen C0027672, MeSH D009386, MONDO:0015356.

Submission:

Ambry Genetics
Classification: Likely pathogenic for Hereditary cancer-predisposing syndrome. Last evaluated: 2024-11-15. Review status: criteria provided, single submitter. Criteria: Ambry Variant Classification Scheme 2023. Collection method: clinical testing. Allele origin: germline.
Comment: The c.870-2A>T intronic variant results from an A to T substitution two nucleotides upstream from coding exon 7 in the POT1 gene. This variant is considered to be rare based on population cohorts in the Genome Aggregation Database (gnomAD). This nucleotide position is highly conserved in available vertebrate species. In silico splice site analysis predicts that this alteration will weaken the native splice acceptor site and will result in the creation or strengthening of a novel splice acceptor site; however, direct evidence is insufficient at this time (Ambry internal data). Alterations that disrupt the canonical splice site are expected to cause aberrant splicing, resulting in an abnormal protein or a transcript that is subject to nonsense-mediated mRNA decay. As such, this alteration is classified as likely pathogenic.

NM_015450.3(POT1):c.870-2A>T

Gene: POT1 (protection of telomeres 1; minus strand). Cytogenetic location: 7q31.33.
Variant type: single nucleotide variant.
Coding change: c.870-2A>T on transcript NM_015450.3 (MANE Select); the canonical splice acceptor site of the intron before coding-DNA position 870, A replaced by T.
Molecular consequence: splice acceptor variant.
Genome position (GRCh38, 1-based): chr7:124,851,953, T>A on the plus strand (A>T on the coding strand, the complement: POT1 is on the minus strand). VCF-style: chr7-124851953-T-A. GRCh37 (hg19) VCF-style: chr7-124492007-T-A.
Other names: c.477-2A>T (NM_001042594.2).
Identifiers: ClinVar variation 3423143 (VCV003423143.1).